The following is an entry in ClinVar:

NM_001405607.1(PBRM1):c.1097A>G (p.Tyr366Cys)

Gene: PBRM1 (polybromo 1; minus strand). Cytogenetic location: 3p21.1.
Variant type: single nucleotide variant.
Coding change: c.1097A>G on transcript NM_001405607.1 (MANE Select); coding-DNA position 1097, A replaced by G.
Protein change: p.Tyr366Cys; replaces tyrosine 366 with cysteine.
Molecular consequence: missense variant. On other transcripts: 5 prime UTR variant (4), non-coding transcript variant (2).
Genome position (GRCh38, 1-based): chr3:52,634,806, T>C on the plus strand (A>G on the coding strand, the complement: PBRM1 is on the minus strand). VCF-style: chr3-52634806-T-C. GRCh37 (hg19) VCF-style: chr3-52668822-T-C.
Other names: c.1097A>G, p.Tyr366Cys (NM_001405605.1, NM_001405609.1, NM_001405610.1 and 73 more transcripts); c.1001A>G, p.Tyr334Cys (NM_001405606.1, NM_001394879.1, NM_001400487.1 and 7 more transcripts); c.-41A>G (NM_001405608.1); c.1160A>G, p.Tyr387Cys (NM_001405622.1, NM_001350074.2, NM_001350076.2 and 7 more transcripts); c.-486A>G (NM_001405625.1); c.1151A>G, p.Tyr384Cys (NM_001350077.2, NM_001366073.2, NM_001394870.1 and 3 more transcripts); c.1148A>G, p.Tyr383Cys (NM_001366074.2); c.1055A>G, p.Tyr352Cys (NM_001366076.2); and 11 more; short protein forms Y366C, Y383C, Y384C, Y352C, Y387C, Y304C, Y318C, Y327C.
Identifiers: ClinVar variation 135006 (VCV000135006.1), dbSNP rs373477703, ClinGen allele CA161378.
Genomic context (GRCh38, chr3:52,634,806, plus strand): 5'-AAAGGATTTGAAACATCCATAAAGGAAGTGATGCTTTCTGCTTCTGACTCTCCCTCTTCA[T>C]AGCGTGCAGCTGGAAAGACAAAAAAAGTATTTATAAAGGGACGAATGAGATGAAGAAAGA-3'
Protein context (NP_001392536.1, residues 356-376): EEDAALAAAR[Tyr366Cys]EEGESEAESI

ClinVar aggregate classification (germline): not provided (0 of 4 stars; one submission).

Allele frequency attached by ClinVar (database versions not stated): TOPMed 0.00013 and 0.00006; ESP Exome Variant Server 0.00015; gnomAD 0.00006.
gnomAD v4.1: 107 of 1,612,896 alleles (0.0066%); highest among the groups gnomAD compares: Admixed American, 0.16%; no homozygotes.

Submission:

ITMI
No classification provided. Condition: AllHighlyPenetrant. Last evaluated: 2013-09-19. Review status: no classification provided. Collection method: reference population. Allele origin: germline.
Comment: Please see associated publication for description of ethnicities

Literature cited by the submitters: PubMed 24728327.